The following is an entry in ClinVar:

NM_000057.4(BLM):c.2453G>A (p.Arg818His)

Gene: BLM (BLM RecQ like helicase; plus strand). Cytogenetic location: 15q26.1.
Variant type: single nucleotide variant.
Coding change: c.2453G>A on transcript NM_000057.4 (MANE Select); coding-DNA position 2453, G replaced by A.
Protein change: p.Arg818His; replaces arginine 818 with histidine.
Molecular consequence: missense variant.
Genome position (GRCh38, 1-based): chr15:90,769,484, G>A. VCF-style: chr15-90769484-G-A. GRCh37 (hg19) VCF-style: chr15-91312714-G-A.
Other names: c.2453G>A, p.Arg818His (NM_001287246.2, NM_001287247.2); c.1328G>A, p.Arg443His (NM_001287248.2); short protein forms R818H, R443H.
Identifiers: ClinVar variation 454105 (VCV000454105.17), dbSNP rs780514723, ClinGen allele CA7738780.

ClinVar aggregate classification (germline): Uncertain significance. Review status: criteria provided, multiple submitters, no conflicts (2 of 4 stars). 3 submissions from 3 submitters: Uncertain significance (2). 1 of the submissions does not count toward it. Last evaluated 2025-11-22.

Conditions:
Hereditary cancer-predisposing syndrome. Also called: Hereditary Cancer Syndrome; Hereditary neoplastic syndrome; Neoplastic Syndromes, Hereditary; Tumor predisposition. Identifiers: Orphanet 140162, MedGen C0027672, MeSH D009386, MONDO:0015356.
Bloom syndrome (BLM). Also called: Bloom-Torre-Machacek syndrome. Identifiers: Orphanet 125, MedGen C0005859, MONDO:0008876, OMIM 210900.

Allele frequency attached by ClinVar (database versions not stated): ExAC 0.00001; gnomAD exomes 0.00001; TOPMed 0.00002.
gnomAD v4.1: 7 of 1,613,968 alleles (0.00043%); highest among the groups gnomAD compares: South Asian, 0.0011%; no homozygotes.

Submissions (3):

Labcorp Genetics (formerly Invitae), Labcorp
Classification: Uncertain significance for Bloom syndrome. Last evaluated: 2025-11-22. Review status: criteria provided, single submitter. Criteria: Invitae Variant Classification Sherloc (09022015). Collection method: clinical testing. Allele origin: germline.
Comment: This sequence change replaces arginine, which is basic and polar, with histidine, which is basic and polar, at codon 818 of the BLM protein (p.Arg818His). This variant is present in population databases (rs780514723, gnomAD 0.004%). This variant has not been reported in the literature in individuals affected with BLM-related conditions. ClinVar contains an entry for this variant (Variation ID: 454105). Invitae Evidence Modeling of protein sequence and biophysical properties (such as structural, functional, and spatial information, amino acid conservation, physicochemical variation, residue mobility, and thermodynamic stability) indicates that this missense variant is expected to disrupt BLM protein function with a positive predictive value of 80%. In summary, the available evidence is currently insufficient to determine the role of this variant in disease. Therefore, it has been classified as a Variant of Uncertain Significance.

Ambry Genetics
Classification: Uncertain significance for Hereditary cancer-predisposing syndrome. Last evaluated: 2024-09-01. Review status: criteria provided, single submitter. Criteria: Ambry Variant Classification Scheme 2023. Collection method: clinical testing. Allele origin: germline.
Comment: The p.R818H variant (also known as c.2453G>A), located in coding exon 11 of the BLM gene, results from a G to A substitution at nucleotide position 2453. The arginine at codon 818 is replaced by histidine, an amino acid with highly similar properties. This amino acid position is highly conserved in available vertebrate species. In addition, the in silico prediction for this alteration is inconclusive. Since supporting evidence is limited at this time, the clinical significance of this alteration remains unclear.

Natera, Inc.
Classification: Uncertain significance for Bloom syndrome. Last evaluated: 2020-03-30. Review status: no assertion criteria provided. Collection method: clinical testing. Allele origin: germline. Not counted in ClinVar's aggregate classification.